The following is an entry in ClinVar:

ClinVar aggregate classification (germline): Conflicting classifications of pathogenicity. Review status: criteria provided, conflicting classifications (1 of 4 stars). 17 submissions from 17 submitters: Uncertain significance (5); Likely benign (7). 5 of the submissions do not count toward it. Last evaluated 2026-01-22.

Conditions:
Breast and/or ovarian cancer. Identifiers: MedGen CN221562.
BRCA2-related disorder. Also called: BRCA2-related condition; BRCA2-related disorders. Identifiers: MedGen CN239275.
Hereditary cancer-predisposing syndrome. Also called: Hereditary neoplastic syndrome; Tumor predisposition; Hereditary Cancer Syndrome; Neoplastic Syndromes, Hereditary. Identifiers: Orphanet 140162, MedGen C0027672, MeSH D009386, MONDO:0015356.
Hereditary breast ovarian cancer syndrome. Also called: Breast and ovarian cancer; Hereditary breast and/or ovarian cancer syndrome; BRCA1- and BRCA2-Associated Hereditary Breast and Ovarian Cancer; Hereditary breast and ovarian cancer syndrome; Hereditary breast and ovarian cancer; Hereditary breast and ovarian cancer syndrome (HBOC). Identifiers: Orphanet 145, MedGen C0677776, MeSH D061325, MONDO:0003582. Disease mechanism: loss of function.
Breast-ovarian cancer, familial, susceptibility to, 2 (BROVCA2). Also called: BRCA2 Hereditary Breast and Ovarian Cancer. Identifiers: Orphanet 145, MedGen C2675520, MONDO:0012933, OMIM 612555. Disease mechanism: loss of function.
Malignant tumor of breast. Also called: Cancer breast; Malignant breast neoplasm. Identifiers: MedGen C0006142, MONDO:0007254. Disease mechanism: loss of function.

Allele frequency attached by ClinVar (database versions not stated): gnomAD exomes 0.00001; TOPMed 0.00001; ExAC 0.00002; gnomAD 0.00002.
gnomAD v4.1: 16 of 1,613,842 alleles (0.00099%); highest among the groups gnomAD compares: East Asian, 0.0089%; no homozygotes.

Submissions (17):

PreventionGenetics, part of Exact Sciences
Classification: Likely benign for BRCA2-related condition. Last evaluated: 2026-01-22. Review status: criteria provided, single submitter. Criteria: ACMG Guidelines, 2015. Collection method: clinical testing. Allele origin: germline.
Comment: This variant is classified as likely benign based on ACMG/AMP sequence variant interpretation guidelines (Richards et al. 2015 PMID: 25741868, with internal and published modifications).

Labcorp Genetics (formerly Invitae), Labcorp
Classification: Likely benign for Hereditary breast ovarian cancer syndrome. Last evaluated: 2026-01-18. Review status: criteria provided, single submitter. Criteria: Invitae Variant Classification Sherloc (09022015). Collection method: clinical testing. Allele origin: germline.

Center for Genomic Medicine, Rigshospitalet, Copenhagen University Hospital
Classification: Uncertain significance. Last evaluated: 2025-12-29. Review status: criteria provided, single submitter. Criteria: ACMG Guidelines, 2015. Collection method: clinical testing. Allele origin: germline.
Comment: Classification criteria: BS1_supporting

Quest Diagnostics Nichols Institute San Juan Capistrano
Classification: Uncertain significance. Last evaluated: 2025-05-13. Review status: criteria provided, single submitter. Criteria: Quest Diagnostics criteria. Collection method: clinical testing. Allele origin: unknown.
Comment: The BRCA2 c.9728C>T (p.Pro3243Leu) variant has been reported in individuals with breast cancer or at high risk for breast cancer (PMID: 36329109 (2022), 33471991 (2021), 21218378 (2010), 31742824 (2020), see also LOVD). This variant has also been identified in reportedly unaffected individuals (PMID: 33471991 (2021), 32467295 (2020), see also LOVD). The frequency of this variant in the general population (Genome Aggregation Database) is uninformative in the assessment of its pathogenicity. Analysis of this variant using bioinformatics tools for the prediction of the effect of amino acid changes on protein structure and function yielded predictions that this variant is benign. Based on the available information, we are unable to determine the clinical significance of this variant.

Women's Health and Genetics/Laboratory Corporation of America, LabCorp
Classification: Likely benign. Last evaluated: 2025-01-27. Review status: criteria provided, single submitter. Criteria: LabCorp Variant Classification Summary - May 2015. Collection method: clinical testing. Allele origin: germline.
Comment: Variant summary: BRCA2 c.9728C>T (p.Pro3243Leu) results in a non-conservative amino acid change in the encoded protein sequence. Four of five in-silico tools predict a benign effect of the variant on protein function. Consensus agreement among computation tools predict no significant impact on normal splicing. However, these predictions have yet to be confirmed by functional studies. The variant allele was found at a frequency of 1.2e-05 in 251118 control chromosomes. The available data on variant occurrences in the general population are insufficient to allow any conclusion about variant significance. c.9728C>T has been reported in the literature as a VUS in settings of individuals affected with and/or undergoing multigene panel testing for Hereditary Breast And Ovarian Cancer (e.g., Carney_2010, Shao_2020) as well as in at least one individual diagnosed with triple-negative breast cancer (e.g., Matta_2022), however without strong evidence for causality in these instances (e.g., lack of co-segregation data). These reports therefore do not provide unequivocal conclusions about association of the variant with Hereditary Breast And Ovarian Cancer Syndrome. To our knowledge, no experimental evidence demonstrating an impact on protein function has been reported. The following publications have been ascertained in the context of this evaluation (PMID: 21218378, 32467295, 36329109, 28508593, 31742824). ClinVar contains an entry for this variant (Variation ID: 38262). Based on an emerging peer consensus and the lack of any evidence supporting an actionable outcome as outlined above, the variant was re-classified as likely benign.

All of Us Research Program, National Institutes of Health
Classification: Likely benign for Breast-ovarian cancer, familial, susceptibility to, 2. Last evaluated: 2024-01-03. Review status: criteria provided, single submitter. Criteria: ACMG Guidelines, 2015. Collection method: clinical testing. Allele origin: germline. Inheritance: Autosomal dominant inheritance. Observed: 2 variant alleles, 2 heterozygotes.
Comment: This study involves interpretation of variants in research participants for the purpose of population health screening. Participant phenotype was not available at the time of variant classification. Additional details can be found in publication PMID: 35346344, PMCID: PMC8962531

Sema4
Classification: Uncertain significance for Hereditary cancer-predisposing syndrome. Last evaluated: 2021-11-26. Review status: criteria provided, single submitter. Criteria: Sema4 Curation Guidelines. Collection method: curation. Allele origin: germline.
Comment: The BRCA2 c.9728C>T (p.P3243L) missense variant has been reported in individuals with undergoing hereditary cancer testing for breast and ovarian cancer (PMID: 31742824, doi; 10.4103/CRST.CRST_101_190). This variant was observed in 4/19940 chromosomes in the East Asian population according to the Genome Aggregation Database (PMID: 32461654). This variant has been reported in ClinVar (Variation ID 38262). Functional studies have not been performed, and in silico predictions of the variant's effect on protein function are inconclusive. The overall evidence is insufficient to meet ACMG/AMP criteria for classifying it as benign or pathogenic. In summary, the clinical significance of this variant is currently uncertain.

Genetics Program, Instituto Nacional de Cancer
Classification: Uncertain significance for Hereditary breast ovarian cancer syndrome. Last evaluated: 2021-11-01. Review status: criteria provided, single submitter. Criteria: ACMG Guidelines, 2015. Collection method: research. Allele origin: germline. Affected: yes.

Ambry Genetics
Classification: Likely benign for Hereditary cancer-predisposing syndrome. Last evaluated: 2018-06-20. Review status: criteria provided, single submitter. Criteria: Ambry Variant Classification Scheme 2023. Collection method: clinical testing. Allele origin: germline.

GeneDx
Classification: Likely benign. Last evaluated: 2018-04-04. Review status: criteria provided, single submitter. Criteria: GeneDx Variant Classification Process June 2021. Collection method: clinical testing. Allele origin: germline. Affected: yes.
Comment: This variant is associated with the following publications: (PMID: 21218378)

Color Diagnostics, LLC DBA Color Health
Classification: Likely benign for Hereditary cancer-predisposing syndrome. Last evaluated: 2017-04-03. Review status: criteria provided, single submitter. Criteria: ACMG Guidelines, 2015. Collection method: clinical testing. Allele origin: germline.

ARUP Laboratories, Molecular Genetics and Genomics, ARUP Laboratories
Classification: Uncertain significance. Last evaluated: 2016-08-19. Review status: criteria provided, single submitter. Criteria: ARUP Molecular Germline Variant Investigation Process. Collection method: clinical testing. Allele origin: germline.

Counsyl
Classification: Uncertain significance for Breast-ovarian cancer, familial, susceptibility to, 2. Last evaluated: 2015-11-21. Review status: no assertion criteria provided. Collection method: clinical testing. Allele origin: unknown. Not counted in ClinVar's aggregate classification.

Foulkes Cancer Genetics LDI, Lady Davis Institute for Medical Research
Classification: Uncertain significance for Breast and/or ovarian cancer. Last evaluated: 2014-11-21. Review status: no assertion criteria provided. Collection method: clinical testing. Allele origin: germline. Study: The Canadian Open Genetics Repository (COGR). Not counted in ClinVar's aggregate classification.

Sharing Clinical Reports Project (SCRP)
Classification: Benign for Breast-ovarian cancer, familial 2. Last evaluated: 2010-09-01. Review status: no assertion criteria provided. Collection method: clinical testing. Allele origin: germline. Not counted in ClinVar's aggregate classification.

Breast Cancer Information Core (BIC) (BRCA2)
Classification: Uncertain significance for Breast-ovarian cancer, familial 2. Last evaluated: 2004-02-20. Review status: no assertion criteria provided. Collection method: clinical testing. Allele origin: germline. Affected: yes. Observed: 1 variant allele. Not counted in ClinVar's aggregate classification.

Department of Pathology and Laboratory Medicine, Sinai Health System
Classification: Uncertain significance for Malignant tumor of breast. Review status: no assertion criteria provided. Collection method: clinical testing. Allele origin: unknown. Affected: yes. Observed: 1 variant allele. Study: The Canadian Open Genetics Repository (COGR). Not counted in ClinVar's aggregate classification.
Comment: The p.Pro3243Leu variant was not identified in the literature, nor was it identified in NHLBI Exome Sequencing Project (Exome Variant Server), HGMD, LOVD, COSMIC, GeneInsight VariantWire, BIC or UMD. The variant was identified in the dbSNP database (ID#:rs80359241), but no frequency information was provided, thus the prevalence of this variant in the general population could not be determined; the Exome Aggregation Consortium (ExAC) (released Oct 20th, 2014) in 2 of 121336 chromosomes (frequency: 0.0000) from a population of East Asian (2/8642 individuals), and not in European (Non-Finnish or Finnish), Other, African, Latino, South Asian individuals; and, it was identified in ClinVar (classified as a likely benign variant by the Sharing Clinical Reports Project, derived from Myriad reports; classified as uncertain significance by BIC; and classification not provided by Invitae). The Breast Cancer IARC database notes a weak/null probability the variant creates a de novo splice donor at nt 9728 and a low probability of creating a de novo splice acceptor at nt 9736. The p.Pro3243 residue is not conserved in mammals and lower organisms and computational analyses (PolyPhen-2, SIFT, AlignGVGD, BLOSUM, MutationTaster) provide inconsistent predictions regarding the impact to the protein; this information is not very predictive of pathogenicity. The c.9728C>T variant occurs outside of the splicing consensus sequence and in silico or computational prediction software programs (SpliceSiteFinder, MaxEntScan, NNSPLICE, GeneSplicer, HumanSpliceFinder) do not predict a difference in splicing. In summary, based on the above information, the clinical significance of this variant cannot be determined with certainty at this time. This variant is classified as a variant of unknown significance.

Literature cited by the submitters: PubMed 34235180 (cited by Quest Diagnostics Nichols Institute San Juan Capistrano); PubMed 31484976 (cited by Quest Diagnostics Nichols Institute San Juan Capistrano); PubMed 31131967 (cited by Quest Diagnostics Nichols Institute San Juan Capistrano); PubMed 36329109 (cited by 3 submitters); PubMed 21218378 (cited by 4 submitters); PubMed 25451944 (cited by Quest Diagnostics Nichols Institute San Juan Capistrano); PubMed 31742824 (cited by 3 submitters); PubMed 28508593 (cited by Quest Diagnostics Nichols Institute San Juan Capistrano and Women's Health and Genetics/Laboratory Corporation of America, LabCorp); PubMed 32467295 (cited by Quest Diagnostics Nichols Institute San Juan Capistrano and Women's Health and Genetics/Laboratory Corporation of America, LabCorp); PubMed 33471991 (cited by Quest Diagnostics Nichols Institute San Juan Capistrano and Sema4); PubMed 26295337 (cited by Quest Diagnostics Nichols Institute San Juan Capistrano).

NM_000059.4(BRCA2):c.9728C>T (p.Pro3243Leu)

Gene: BRCA2 (BRCA2 DNA repair associated; plus strand). Cytogenetic location: 13q13.1.
Variant type: single nucleotide variant.
Coding change: c.9728C>T on transcript NM_000059.4 (MANE Select); coding-DNA position 9728, C replaced by T.
Protein change: p.Pro3243Leu; replaces proline 3243 with leucine.
Molecular consequence: missense variant.
Genome position (GRCh38, 1-based): chr13:32,398,241, C>T. VCF-style: chr13-32398241-C-T. GRCh37 (hg19) VCF-style: chr13-32972378-C-T.
Other names: p.P3243L:CCT>CTT; 9956C>T; short protein forms P3243L.
Identifiers: ClinVar variation 38262 (VCV000038262.66), dbSNP rs80359241, ClinGen allele CA026285.